The following is an entry in ClinVar:

GRCh38/hg38 15q11.2(chr15:22711766-23220738)x1

Genes: CYFIP1 (cytoplasmic FMR1 interacting protein 1; minus strand), GOLGA6L1 (golgin A6 family like 1; minus strand), MIR4509-1 (microRNA 4509-1; plus strand), NIPA1 (NIPA magnesium transporter 1; plus strand), NIPA2 (NIPA magnesium transporter 2; plus strand) and 16 more. Cytogenetic location: 15q11.2.
Variant type: copy number loss.
Change: copy number 1 (one copy instead of two) of chr15:22,711,766-23,220,738 (509.0 kb, GRCh38 coordinates, 1-based), cytogenetic band 15q11.2.
Identifiers: ClinVar variation 4755366 (VCV004755366.1).

ClinVar aggregate classification (germline): Pathogenic (1 of 4 stars; one submission).

Submission:

Clinical Genomics Laboratory, Laboratory for Precision Diagnostics, University of Washington
Classification: Pathogenic. Last evaluated: 2021-10-26. Review status: criteria provided, single submitter. Criteria: ACMG/ClinGen CNV Guidelines, 2019. Collection method: clinical testing. Allele origin: unknown. Affected: yes. Observed: 1 variant allele.
Comment: The deletion contains the entirety of the region of 15q11.2 associated with the 15q11.2 BP1-BP2 microdeletion syndrome, a condition with incomplete penetrance and variable expressivity.

Literature cited by the submitters: PubMed 28387067; PubMed 21841781; PubMed 25689425; PubMed 31665216; PubMed 31451536; PubMed 30767844; PubMed 23258348.